The following is an entry in ClinVar:

ClinVar aggregate classification (germline): Uncertain significance (1 of 4 stars; one submission).

Allele frequency attached by ClinVar (database versions not stated): gnomAD exomes below 0.00001.
gnomAD v4.1: 2 of 1,614,188 alleles (0.00012%); highest among the groups gnomAD compares: Non-Finnish European, 0.00017%; no homozygotes.

Submission:

Labcorp Genetics (formerly Invitae), Labcorp
Classification: Uncertain significance. Last evaluated: 2023-06-05. Review status: criteria provided, single submitter. Criteria: Invitae Variant Classification Sherloc (09022015). Collection method: clinical testing. Allele origin: germline.
Comment: In summary, the available evidence is currently insufficient to determine the role of this variant in disease. Therefore, it has been classified as a Variant of Uncertain Significance. An algorithm developed to predict the effect of missense changes on protein structure and function (PolyPhen-2) suggests that this variant is likely to be tolerated. This variant has not been reported in the literature in individuals affected with KAT6A-related conditions. This variant is not present in population databases (gnomAD no frequency). This sequence change replaces asparagine, which is neutral and polar, with serine, which is neutral and polar, at codon 403 of the KAT6A protein (p.Asn403Ser).

NM_006766.5(KAT6A):c.1208A>G (p.Asn403Ser)

Gene: KAT6A (lysine acetyltransferase 6A; minus strand). Cytogenetic location: 8p11.21.
Variant type: single nucleotide variant.
Coding change: c.1208A>G on transcript NM_006766.5 (MANE Select); coding-DNA position 1208, A replaced by G.
Protein change: p.Asn403Ser; replaces asparagine 403 with serine.
Molecular consequence: missense variant.
Genome position (GRCh38, 1-based): chr8:41,977,163, T>C on the plus strand (A>G on the coding strand, the complement: KAT6A is on the minus strand). VCF-style: chr8-41977163-T-C. GRCh37 (hg19) VCF-style: chr8-41834681-T-C.
Other names: c.1208A>G, p.Asn403Ser (NM_001305878.2); short protein forms N403S.
Identifiers: ClinVar variation 2692870 (VCV002692870.3), dbSNP rs2486807060, ClinGen allele CA371075921.